The following is an entry in ClinVar:

ClinVar aggregate classification (germline): Uncertain significance (1 of 4 stars; one submission).

Conditions:
Colorectal cancer, hereditary nonpolyposis, type 7. Identifiers: Orphanet 144, MedGen C1858380, MONDO:0013725, OMIM 614385.

Submission:

Labcorp Genetics (formerly Invitae), Labcorp
Classification: Uncertain significance for Colorectal cancer, hereditary nonpolyposis, type 7. Last evaluated: 2022-03-28. Review status: criteria provided, single submitter. Criteria: Invitae Variant Classification Sherloc (09022015). Collection method: clinical testing. Allele origin: germline.
Comment: Algorithms developed to predict the effect of sequence changes on RNA splicing suggest that this variant may create or strengthen a splice site. This variant has not been reported in the literature in individuals affected with MLH3-related conditions. This variant is not present in population databases (gnomAD no frequency). This sequence change falls in intron 8 of the MLH3 gene. It does not directly change the encoded amino acid sequence of the MLH3 protein. In summary, the available evidence is currently insufficient to determine the role of this variant in disease. Therefore, it has been classified as a Variant of Uncertain Significance.

NM_001040108.2(MLH3):c.3827+20T>G

Gene: MLH3 (mutL homolog 3; minus strand). Cytogenetic location: 14q24.3.
Variant type: single nucleotide variant.
Coding change: c.3827+20T>G on transcript NM_001040108.2 (MANE Select); 20 bases into the intron after coding-DNA position 3827, T replaced by G.
Molecular consequence: intron variant.
Genome position (GRCh38, 1-based): chr14:75,032,048, A>C on the plus strand (T>G on the coding strand, the complement: MLH3 is on the minus strand). VCF-style: chr14-75032048-A-C. GRCh37 (hg19) VCF-style: chr14-75498751-A-C.
Other names: c.3755+20T>G (NM_014381.3).
Identifiers: ClinVar variation 2176189 (VCV002176189.4), dbSNP rs2503130760, ClinGen allele CA2580088843.